The following is an entry in ClinVar:

NM_004958.4(MTOR):c.5811+5G>A

Gene: MTOR (mechanistic target of rapamycin kinase; minus strand). Cytogenetic location: 1p36.22.
Variant type: single nucleotide variant.
Coding change: c.5811+5G>A on transcript NM_004958.4 (MANE Select); 5 bases into the intron after coding-DNA position 5811, G replaced by A.
Molecular consequence: intron variant.
Genome position (GRCh38, 1-based): chr1:11,128,850, C>T on the plus strand (G>A on the coding strand, the complement: MTOR is on the minus strand). VCF-style: chr1-11128850-C-T. GRCh37 (hg19) VCF-style: chr1-11188907-C-T.
Other names: c.4563+5G>A (NM_001386501.1); c.5811+5G>A (NM_001386500.1).
Identifiers: ClinVar variation 2693582 (VCV002693582.3), dbSNP rs2100419033, ClinGen allele CA2695372588.
Genomic context (GRCh38, chr1:11,128,850, plus strand): 5'-TTGTAAGAGGAGACACACAGAAGAGAGACTTGGAGCCACCTTCACCTGTAACCAAGTATC[C>T]TCACCTGTAGCCAGGTATCAATCTGGATGGCTTTCACCCCCTCCACTAAGGCCTCATTGA-3'

ClinVar aggregate classification (germline): Uncertain significance (1 of 4 stars; one submission).

Submission:

Labcorp Genetics (formerly Invitae), Labcorp
Classification: Uncertain significance. Last evaluated: 2023-11-06. Review status: criteria provided, single submitter. Criteria: Invitae Variant Classification Sherloc (09022015). Collection method: clinical testing. Allele origin: germline.
Comment: This sequence change falls in intron 41 of the MTOR gene. It does not directly change the encoded amino acid sequence of the MTOR protein. It affects a nucleotide within the consensus splice site. This variant is not present in population databases (gnomAD no frequency). This variant has not been reported in the literature in individuals affected with MTOR-related conditions. Variants that disrupt the consensus splice site are a relatively common cause of aberrant splicing (PMID: 17576681, 9536098). Algorithms developed to predict the effect of sequence changes on RNA splicing suggest that this variant may disrupt the consensus splice site. In summary, the available evidence is currently insufficient to determine the role of this variant in disease. Therefore, it has been classified as a Variant of Uncertain Significance.

Literature cited by the submitters: PubMed 17576681; PubMed 9536098.